The following is an entry in ClinVar:

ClinVar aggregate classification (germline): Likely pathogenic. Review status: criteria provided, multiple submitters, no conflicts (2 of 4 stars). 3 submissions from 3 submitters: Likely pathogenic (3). Last evaluated 2025-05-19.

Conditions:
Phenylketonuria (PKU). Also called: FOLLING DISEASE; Phenylketonurias; Phenylketonuria (PKU); OLIGOPHRENIA PHENYLPYRUVICA. Identifiers: Orphanet 716, MedGen C0031485, MONDO:0009861, OMIM 261600. Disease mechanism: loss of function.

Submissions (3):

Natera, Inc.
Classification: Likely pathogenic for Phenylketonuria. Last evaluated: 2025-05-19. Review status: criteria provided, single submitter. Criteria: Natera Variant Classification Schema (03/2026). Collection method: clinical testing. Allele origin: germline.
Comment: The c.650G>T variant in PAH is a missense variant predicted to cause substitution of cysteine to phenylalanine at amino acid 217. This variant is rare in the general population with a frequency below the threshold expected for the associated phenotype(s). This variant has been observed in one or more individuals affected with the associated recessive disease, as either homozygous or compound heterozygous with a second variant (PMID: 32069237, 30159852). This variant has been identified in one or more affected individuals with a phenotype highly consistent with the associated gene (PMID: 32069237). Computational prediction algorithms indicate this variant is likely to affect gene or protein function. Given the available evidence, this variant is classified as Likely Pathogenic.

Labcorp Genetics (formerly Invitae), Labcorp
Classification: Likely pathogenic for Phenylketonuria. Last evaluated: 2021-12-20. Review status: criteria provided, single submitter. Criteria: Invitae Variant Classification Sherloc (09022015). Collection method: clinical testing. Allele origin: germline.
Comment: This sequence change replaces cysteine, which is neutral and slightly polar, with phenylalanine, which is neutral and non-polar, at codon 217 of the PAH protein (p.Cys217Phe). This variant is not present in population databases (gnomAD no frequency). This missense change has been observed in individual(s) with hyperphenylalaninemia (PMID: 30159852). Advanced modeling of protein sequence and biophysical properties (such as structural, functional, and spatial information, amino acid conservation, physicochemical variation, residue mobility, and thermodynamic stability) performed at Invitae indicates that this missense variant is expected to disrupt PAH protein function. This variant disrupts the p.Cys217 amino acid residue in PAH. Other variant(s) that disrupt this residue have been determined to be pathogenic (PMID: 8807319, 32668217). This suggests that this residue is clinically significant, and that variants that disrupt this residue are likely to be disease-causing. In summary, the currently available evidence indicates that the variant is pathogenic, but additional data are needed to prove that conclusively. Therefore, this variant has been classified as Likely Pathogenic.

Kariminejad - Najmabadi Pathology & Genetics Center
Classification: Likely pathogenic for Phenylketonuria. Review status: criteria provided, single submitter. Criteria: ACMG Guidelines, 2015. Collection method: clinical testing. Allele origin: germline. Affected: no.

Literature cited by the submitters: PubMed 32069237 (cited by Natera, Inc.); PubMed 30159852 (cited by Natera, Inc. and Labcorp Genetics (formerly Invitae), Labcorp); PubMed 8807319 (cited by Labcorp Genetics (formerly Invitae), Labcorp); PubMed 32668217 (cited by Labcorp Genetics (formerly Invitae), Labcorp).

NM_000277.3(PAH):c.650G>T (p.Cys217Phe)

Gene: PAH (phenylalanine hydroxylase; minus strand). Cytogenetic location: 12q23.2.
Variant type: single nucleotide variant.
Coding change: c.650G>T on transcript NM_000277.3 (MANE Select); coding-DNA position 650, G replaced by T.
Protein change: p.Cys217Phe; replaces cysteine 217 with phenylalanine.
Molecular consequence: missense variant.
Genome position (GRCh38, 1-based): chr12:102,855,192, C>A on the plus strand (G>T on the coding strand, the complement: PAH is on the minus strand). VCF-style: chr12-102855192-C-A. GRCh37 (hg19) VCF-style: chr12-103248970-C-A.
Other names: c.650G>T, p.Cys217Phe (NM_001354304.2); c.650G>T (NM_000277.2); short protein forms C217F.
Identifiers: ClinVar variation 1917938 (VCV001917938.7), dbSNP rs62508617, ClinGen allele CA386296634.